The following is an entry in ClinVar:

NM_001561.6(TNFRSF9):c.151_157delinsCCCAGTCCCTGTCCACC (p.Asn51fs)

Gene: TNFRSF9 (TNF receptor superfamily member 9; minus strand). Cytogenetic location: 1p36.23.
Variant type: Indel.
Coding change: c.151_157delinsCCCAGTCCCTGTCCACC on transcript NM_001561.6 (MANE Select); coding-DNA positions 151 to 157, AATAGTT replaced by CCCAGTCCCTGTCCACC.
Protein change: p.Asn51fs; shifts the reading frame from asparagine 51.
Molecular consequence: frameshift variant.
Genome position (GRCh38, 1-based): chr1:7,938,772-7,938,778, AACTATT replaced by GGTGGACAGGGACTGGG on the plus strand (AATAGTT replaced by CCCAGTCCCTGTCCACC on the coding strand, the reverse complement: TNFRSF9 is on the minus strand). VCF-style: chr1-7938772-AACTATT-GGTGGACAGGGACTGGG. GRCh37 (hg19) VCF-style: chr1-7998832-AACTATT-GGTGGACAGGGACTGGG.
Other names: short protein forms N51fs.
Identifiers: ClinVar variation 4734619 (VCV004734619.1).
Genomic context (GRCh38, chr1:7,938,772, plus strand): 5'-AACTCATACCTTTACACTGCCTGCATATGTCACAGGTCCTTTGTCCACCTGCGCTGGAGA[AACTATT>GGTGGACAGGGACTGGG]TGGAGGACAGGGACTGCAAATCTGATTCCTGTTATTATCACAGAATGTACCTAAGAAAGG-3'

ClinVar aggregate classification (germline): Pathogenic (1 of 4 stars; one submission).

Submission:

Labcorp Genetics (formerly Invitae), Labcorp
Classification: Pathogenic. Last evaluated: 2026-01-02. Review status: criteria provided, single submitter. Criteria: Invitae Variant Classification Sherloc (09022015). Collection method: clinical testing. Allele origin: germline.
Comment: This sequence change creates a premature translational stop signal (p.Asn51Profs*16) in the TNFRSF9 gene. It is expected to result in an absent or disrupted protein product. Loss-of-function variants in TNFRSF9 are known to be pathogenic (PMID: 30872117, 31501153). This variant is not present in population databases (gnomAD no frequency). This variant has not been reported in the literature in individuals affected with TNFRSF9-related conditions. For these reasons, this variant has been classified as Pathogenic.

Literature cited by the submitters: PubMed 30872117; PubMed 31501153.